The following is an entry in ClinVar:

ClinVar aggregate classification (germline): other (0 of 4 stars; one submission).

Conditions:
Familial colorectal cancer. Identifiers: MedGen CN280943, MONDO:0023113. Disease mechanism: loss of function.

Submission:

Systems Biology Platform Zhejiang California International NanoSystems Institute
Classification: other for Familial colorectal cancer. Review status: no assertion criteria provided. Collection method: not provided. Allele origin: unknown.
ClinVar note: Converted during submission from cancer to other.

NM_000038.6(APC):c.422+1096C>A

Gene: APC (APC regulator of WNT signaling pathway; plus strand). Cytogenetic location: 5q22.2.
Variant type: single nucleotide variant.
Coding change: c.422+1096C>A on transcript NM_000038.6 (MANE Select); 1096 bases into the intron after coding-DNA position 422, C replaced by A.
Molecular consequence: intron variant.
Genome position (GRCh38, 1-based): chr5:112,768,486, C>A. VCF-style: chr5-112768486-C-A. GRCh37 (hg19) VCF-style: chr5-112104183-C-A.
Other names: c.422+1096C>A (NM_001354895.2, NM_001127510.3, NM_001354896.2 and 2 more transcripts); c.452+1096C>A (NM_001354897.2, NM_001354902.2, NM_001127511.3); c.347+1096C>A (NM_001354898.2, NM_001354904.2); c.-614+1096C>A (NM_001354906.2); c.245+1096C>A (NM_001354900.2, NM_001354901.2, NM_001354905.2).
Identifiers: ClinVar variation 82879 (VCV000082879.2), dbSNP rs75166185, ClinGen allele CA008994.
Genomic context (GRCh38, chr5:112,768,486, plus strand): 5'-AGTATATTCAGTAACTACTAGATTCAGTAAAAGATGACTCTTTTCATTATGGAAGGCCCA[C>A]TACAAGTGGCCACAAATGAAATACTTCTTTTTTTTTTTTTTTTTACTTTATAAATAATAA-3'